The following is an entry in ClinVar:

ClinVar aggregate classification (germline): Uncertain significance (1 of 4 stars; one submission).

gnomAD v4.1: 1 of 1,613,728 alleles (0.000062%); highest among the groups gnomAD compares: Admixed American, 0.0017%; no homozygotes.

Submission:

Labcorp Genetics (formerly Invitae), Labcorp
Classification: Uncertain significance. Last evaluated: 2024-07-08. Review status: criteria provided, single submitter. Criteria: Invitae Variant Classification Sherloc (09022015). Collection method: clinical testing. Allele origin: germline.
Comment: This sequence change replaces asparagine, which is neutral and polar, with threonine, which is neutral and polar, at codon 160 of the CD2AP protein (p.Asn160Thr). This variant is not present in population databases (gnomAD no frequency). This variant has not been reported in the literature in individuals affected with CD2AP-related conditions. Advanced modeling of protein sequence and biophysical properties (such as structural, functional, and spatial information, amino acid conservation, physicochemical variation, residue mobility, and thermodynamic stability) performed at Invitae indicates that this missense variant is expected to disrupt CD2AP protein function with a positive predictive value of 80%. In summary, the available evidence is currently insufficient to determine the role of this variant in disease. Therefore, it has been classified as a Variant of Uncertain Significance.

NM_012120.3(CD2AP):c.479A>C (p.Asn160Thr)

Gene: CD2AP (CD2 associated protein; plus strand). Cytogenetic location: 6p12.3.
Variant type: single nucleotide variant.
Coding change: c.479A>C on transcript NM_012120.3 (MANE Select); coding-DNA position 479, A replaced by C.
Protein change: p.Asn160Thr; replaces asparagine 160 with threonine.
Molecular consequence: missense variant.
Genome position (GRCh38, 1-based): chr6:47,554,704, A>C. VCF-style: chr6-47554704-A-C. GRCh37 (hg19) VCF-style: chr6-47522440-A-C.
Other names: short protein forms N160T.
Identifiers: ClinVar variation 3649544 (VCV003649544.2).